The following is an entry in ClinVar:

ClinVar aggregate classification (germline): Uncertain significance (1 of 4 stars; one submission).

Submission:

Ambry Genetics
Classification: Uncertain significance. Last evaluated: 2024-02-05. Review status: criteria provided, single submitter. Criteria: Ambry Variant Classification Scheme 2023. Collection method: clinical testing. Allele origin: germline.
Comment: The p.P1640L variant (also known as c.4919C>T), located in coding exon 16 of the POLQ gene, results from a C to T substitution at nucleotide position 4919. The proline at codon 1640 is replaced by leucine, an amino acid with similar properties. This amino acid position is conserved. In addition, the in silico prediction for this alteration is inconclusive. Based on the available evidence, the clinical significance of this alteration remains unclear.

NM_199420.4(POLQ):c.4919C>T (p.Pro1640Leu)

Gene: POLQ (DNA polymerase theta; minus strand). Cytogenetic location: 3q13.33.
Variant type: single nucleotide variant.
Coding change: c.4919C>T on transcript NM_199420.4 (MANE Select); coding-DNA position 4919, C replaced by T.
Protein change: p.Pro1640Leu; replaces proline 1640 with leucine.
Molecular consequence: missense variant.
Genome position (GRCh38, 1-based): chr3:121,488,012, G>A on the plus strand (C>T on the coding strand, the complement: POLQ is on the minus strand). VCF-style: chr3-121488012-G-A. GRCh37 (hg19) VCF-style: chr3-121206859-G-A.
Other names: short protein forms P1640L.
Identifiers: ClinVar variation 3230025 (VCV003230025.1), dbSNP rs2546785368, ClinGen allele CA354093198.